The following is an entry in ClinVar:

NM_016277.5(RAB23):c.83G>A (p.Arg28Gln)

Gene: RAB23 (RAB23, member RAS oncogene family; minus strand). Cytogenetic location: 6p11.2.
Variant type: single nucleotide variant.
Coding change: c.83G>A on transcript NM_016277.5 (MANE Select); coding-DNA position 83, G replaced by A.
Protein change: p.Arg28Gln; replaces arginine 28 with glutamine.
Molecular consequence: missense variant. On other transcripts: non-coding transcript variant (1).
Genome position (GRCh38, 1-based): chr6:57,210,298, C>T on the plus strand (G>A on the coding strand, the complement: RAB23 is on the minus strand). VCF-style: chr6-57210298-C-T. GRCh37 (hg19) VCF-style: chr6-57075096-C-T.
Other names: c.83G>A, p.Arg28Gln (NM_001278666.2, NM_001278667.2, NM_001278668.2 and 1 more transcripts); short protein forms R28Q.
Identifiers: ClinVar variation 1722486 (VCV001722486.2), dbSNP rs376394715, ClinGen allele CA3873926.

ClinVar aggregate classification (germline): Uncertain significance (1 of 4 stars; one submission).

Allele frequency attached by ClinVar (database versions not stated): gnomAD exomes 0.00001; ExAC 0.00002; gnomAD 0.00003; TOPMed 0.00003; ESP Exome Variant Server 0.00008.
gnomAD v4.1: 17 of 1,613,800 alleles (0.0011%); highest among the groups gnomAD compares: African/African-American, 0.0053%; no homozygotes.

Submission:

Women's Health and Genetics/Laboratory Corporation of America, LabCorp
Classification: Uncertain significance. Last evaluated: 2023-11-17. Review status: criteria provided, single submitter. Criteria: LabCorp Variant Classification Summary - May 2015. Collection method: clinical testing. Allele origin: germline.
Comment: Variant summary: RAB23 c.83G>A (p.Arg28Gln) results in a conservative amino acid change located in the small GTP-binding protein domain (IPR005225) of the encoded protein sequence. Four of five in-silico tools predict a damaging effect of the variant on protein function. The variant allele was found at a frequency of 1.6e-05 in 251386 control chromosomes (gtnomAD). The available data on variant occurrences in the general population are insufficient to allow any conclusion about variant significance. To our knowledge, no occurrence of c.83G>A in individuals affected with Carpenter Syndrome - Type 1 and no experimental evidence demonstrating its impact on protein function have been reported. No submitters have cited clinical-significance assessments for this variant to ClinVar after 2014. Based on the evidence outlined above, the variant was classified as uncertain significance.